The following is an entry in ClinVar:

NM_007127.3(VIL1):c.75+8C>G

Gene: VIL1 (villin 1; plus strand). Cytogenetic location: 2q35.
Variant type: single nucleotide variant.
Coding change: c.75+8C>G on transcript NM_007127.3 (MANE Select); 8 bases into the intron after coding-DNA position 75, C replaced by G.
Molecular consequence: intron variant.
Genome position (GRCh38, 1-based): chr2:218,423,861, C>G. VCF-style: chr2-218423861-C-G. GRCh37 (hg19) VCF-style: chr2-219288584-C-G.
Identifiers: ClinVar variation 3040233 (VCV003040233.2), dbSNP rs375417922, ClinGen allele CA2105935.

ClinVar aggregate classification (germline): Likely benign (0 of 4 stars; one submission).

Conditions:
VIL1-related disorder. Also called: VIL1-related condition.

Allele frequency attached by ClinVar (database versions not stated): gnomAD exomes 0.00002; ExAC 0.00008; gnomAD 0.00017; ESP Exome Variant Server 0.00077.
gnomAD v4.1: 62 of 1,613,962 alleles (0.0038%); highest among the groups gnomAD compares: African/African-American, 0.069%; no homozygotes.

Submission:

PreventionGenetics, part of Exact Sciences
Classification: Likely benign for VIL1-related condition. Last evaluated: 2019-09-18. Review status: no assertion criteria provided. Collection method: clinical testing. Allele origin: germline.
Comment: This variant is classified as likely benign based on ACMG/AMP sequence variant interpretation guidelines (Richards et al. 2015 PMID: 25741868, with internal and published modifications).